The following is an entry in ClinVar:

ClinVar aggregate classification (germline): Uncertain significance (1 of 4 stars; one submission).

gnomAD v4.1: 4 of 1,611,696 alleles (0.00025%); highest among the groups gnomAD compares: South Asian, 0.0022%; no homozygotes.

Submission:

GeneDx
Classification: Uncertain significance. Last evaluated: 2022-09-20. Review status: criteria provided, single submitter. Criteria: GeneDx Variant Classification Process June 2021. Collection method: clinical testing. Allele origin: germline. Affected: yes.
Comment: Not observed at significant frequency in large population cohorts (gnomAD); In silico analysis supports that this missense variant does not alter protein structure/function; Has not been previously published as pathogenic or benign to our knowledge

NM_001378609.3(OTOGL):c.6135C>A (p.Asn2045Lys)

Gene: OTOGL (otogelin like; plus strand). Cytogenetic location: 12q21.31.
Variant type: single nucleotide variant.
Coding change: c.6135C>A on transcript NM_001378609.3 (MANE Select); coding-DNA position 6135, C replaced by A.
Protein change: p.Asn2045Lys; replaces asparagine 2045 with lysine.
Molecular consequence: missense variant.
Genome position (GRCh38, 1-based): chr12:80,358,684, C>A. VCF-style: chr12-80358684-C-A. GRCh37 (hg19) VCF-style: chr12-80752464-C-A.
Other names: c.6000C>A, p.Asn2000Lys (NM_001368062.3); c.6135C>A, p.Asn2045Lys (NM_001378610.3, NM_173591.7); short protein forms N2000K, N2045K.
Identifiers: ClinVar variation 2444645 (VCV002444645.1), dbSNP rs368168134, ClinGen allele CA385888679.